The following is an entry in ClinVar:

ClinVar aggregate classification (germline): Uncertain significance (1 of 4 stars; one submission).

Allele frequency attached by ClinVar (database versions not stated): gnomAD exomes below 0.00001 and 0.00001; ExAC 0.00001; gnomAD 0.00001; TOPMed 0.00001.
gnomAD v4.1: 7 of 1,586,500 alleles (0.00044%); highest among the groups gnomAD compares: Non-Finnish European, 0.00052%; no homozygotes.

Submission:

Women's Health and Genetics/Laboratory Corporation of America, LabCorp
Classification: Uncertain significance. Last evaluated: 2020-09-16. Review status: criteria provided, single submitter. Criteria: LabCorp Variant Classification Summary - May 2015. Collection method: clinical testing. Allele origin: germline.
Comment: Variant summary: RASA2 c.863+13C>A alters a non-conserved nucleotide located close to a canonical splice site and therefore could affect mRNA splicing, leading to a significantly altered protein sequence. The variant allele was found at a frequency of 8e-06 in 249770 control chromosomes. The available data on variant occurrences in the general population are insufficient to allow any conclusion about variant significance. To our knowledge, no occurrence of c.863+13C>A in individuals affected with Noonan Syndrome and no experimental evidence demonstrating its impact on protein function have been reported. No clinical diagnostic laboratories have submitted clinical-significance assessments for this variant to ClinVar after 2014. Based on the evidence outlined above, the variant was classified as uncertain significance.

NM_006506.5(RASA2):c.863+13C>A

Gene: RASA2 (RAS p21 protein activator 2; plus strand). Cytogenetic location: 3q23.
Variant type: single nucleotide variant.
Coding change: c.863+13C>A on transcript NM_006506.5 (MANE Select); 13 bases into the intron after coding-DNA position 863, C replaced by A.
Molecular consequence: intron variant.
Genome position (GRCh38, 1-based): chr3:141,560,008, C>A. VCF-style: chr3-141560008-C-A. GRCh37 (hg19) VCF-style: chr3-141278850-C-A.
Other names: c.863+13C>A (NM_001303245.3, NM_001303246.3).
Identifiers: ClinVar variation 981096 (VCV000981096.1), dbSNP rs776517254, ClinGen allele CA2645340.
Genomic context (GRCh38, chr3:141,560,008, plus strand): 5'-TAAGGTTCCTGTGAACGTATTAAGAACTGATTCCTCTCATCAAGCCTGGTAAGGGCCCAG[C>A]ATTTTAGTGAACTCCATAGTTTAATTCTCTTTAGTACAGTATATATATGCAAATAAATGC-3'